The following is an entry in ClinVar:

ClinVar aggregate classification (germline): Likely benign. Review status: criteria provided, multiple submitters, no conflicts (2 of 4 stars). 3 submissions from 3 submitters: Likely benign (3). Last evaluated 2022-07-01.

Conditions:
Inborn genetic diseases. Identifiers: MedGen C0950123, MeSH D030342.

Allele frequency attached by ClinVar (database versions not stated): gnomAD exomes 0.00001; TOPMed 0.00001; gnomAD 0.00001.
gnomAD v4.1: 7 of 1,210,230 alleles (0.00058%); highest among the groups gnomAD compares: Non-Finnish European, 0.00078%; no homozygotes.

Submissions (3):

CeGaT Center for Human Genetics Tuebingen
Classification: Likely benign. Last evaluated: 2022-07-01. Review status: criteria provided, single submitter. Criteria: CeGaT Center For Human Genetics Tuebingen Variant Classification Criteria Version 2. Collection method: clinical testing. Allele origin: germline. Affected: yes. Observed: 1 variant allele.
Comment: SLC16A2: BP4, BP7

Blueprint Genetics
Classification: Likely benign. Last evaluated: 2021-04-07. Review status: criteria provided, single submitter. Criteria: ACMG Guidelines, 2015. Collection method: clinical testing. Allele origin: germline.

Ambry Genetics
Classification: Likely benign for Inborn genetic diseases. Last evaluated: 2016-05-12. Review status: criteria provided, single submitter. Criteria: Ambry Variant Classification Scheme 2023. Collection method: clinical testing. Allele origin: germline.

NM_006517.5(SLC16A2):c.1242C>T (p.Ile414=)

Gene: SLC16A2 (solute carrier family 16 member 2; plus strand). Cytogenetic location: Xq13.2.
Variant type: single nucleotide variant.
Coding change: c.1242C>T on transcript NM_006517.5 (MANE Select); coding-DNA position 1242, C replaced by T.
Protein change: p.Ile414=; no amino-acid change (isoleucine 414 retained).
Molecular consequence: synonymous variant.
Genome position (GRCh38, 1-based): chrX:74,529,284, C>T. VCF-style: chrX-74529284-C-T. GRCh37 (hg19) VCF-style: chrX-73749119-C-T.
Identifiers: ClinVar variation 587841 (VCV000587841.29), dbSNP rs1364841125, ClinGen allele CA517242765.
Genomic context (GRCh38, chrX:74,529,284, plus strand): 5'-CCTGCTCCTGGGCCTGATGTCCATGATGATTCCCCTGTGCCGGGACTTCGGGGGCCTTAT[C>T]GTCGTCTGTCTTTTCCTGGGCCTTTGCGATGGCTTCTTCATCACCATCATGGCCCCCATT-3'
Protein context (NP_006508.2, residues 404-424): IPLCRDFGGL[Ile414=]VVCLFLGLCD